The following is an entry in ClinVar:

ClinVar aggregate classification (germline): Conflicting classifications of pathogenicity. Review status: criteria provided, conflicting classifications (1 of 4 stars). 3 submissions from 3 submitters: Likely pathogenic (2); Uncertain significance (1). Last evaluated 2025-03-19.

Conditions:
Marfan syndrome (MFS). Also called: MARFAN SYNDROME, TYPE I; Marfan syndrome type 1; Marfan's syndrome; Marfan syndrome, classic; FBN1-Related Marfan Syndrome. Identifiers: Orphanet 284963, Orphanet 558, MedGen C0024796, MONDO:0007947, OMIM 154700.
Familial thoracic aortic aneurysm and aortic dissection (TAAD). Also called: Thoracic aortic aneurysms and dissections. Identifiers: Orphanet 91387, MedGen C4707243, MONDO:0019625.

Submissions (3):

Ambry Genetics
Classification: Likely pathogenic for Familial thoracic aortic aneurysm and aortic dissection. Last evaluated: 2025-03-19. Review status: criteria provided, single submitter. Criteria: Ambry Variant Classification Scheme 2023. Collection method: clinical testing. Allele origin: germline.
Comment: The p.Y2280C variant (also known as c.6839A>G), located in coding exon 55 of the FBN1 gene, results from an A to G substitution at nucleotide position 6839. The tyrosine at codon 2280 is replaced by cysteine, an amino acid with highly dissimilar properties. The majority of FBN1 mutations identified to date have involved the substitution or generation of cysteine residues within cbEGF domains (Vollbrandt T et al. J Biol Chem. 2004;279(31):32924-32931). This variant was reported in individual(s) with features consistent with Marfan syndrome (Ambry internal data; external communcation). This variant is considered to be rare based on population cohorts in the Genome Aggregation Database (gnomAD). This amino acid position is well conserved in available vertebrate species. In addition, this alteration is predicted to be deleterious by in silico analysis. Based on the majority of available evidence to date, this variant is likely to be pathogenic.

Labcorp Genetics (formerly Invitae), Labcorp
Classification: Uncertain significance for Marfan syndrome; Familial thoracic aortic aneurysm and aortic dissection. Last evaluated: 2024-06-23. Review status: criteria provided, single submitter. Criteria: Invitae Variant Classification Sherloc (09022015). Collection method: clinical testing. Allele origin: germline.
Comment: This sequence change replaces tyrosine, which is neutral and polar, with cysteine, which is neutral and slightly polar, at codon 2280 of the FBN1 protein (p.Tyr2280Cys). This variant is not present in population databases (gnomAD no frequency). This missense change has been observed in individual(s) with clinical features of FBN1-related conditions (Invitae). Advanced modeling of protein sequence and biophysical properties (such as structural, functional, and spatial information, amino acid conservation, physicochemical variation, residue mobility, and thermodynamic stability) performed at Invitae indicates that this missense variant is expected to disrupt FBN1 protein function with a positive predictive value of 95%. In summary, the available evidence is currently insufficient to determine the role of this variant in disease. Therefore, it has been classified as a Variant of Uncertain Significance.

Mayo Clinic Laboratories, Mayo Clinic
Classification: Likely pathogenic. Last evaluated: 2024-05-24. Review status: criteria provided, single submitter. Criteria: ACMG Guidelines, 2015. Collection method: clinical testing. Allele origin: germline. Observed: 1 variant allele.
Comment: PP2, PP3, PM1_strong, PM2

Literature cited by the submitters: PubMed 10486319 (cited by Mayo Clinic Laboratories, Mayo Clinic).

NM_000138.5(FBN1):c.6839A>G (p.Tyr2280Cys)

Gene: FBN1 (fibrillin 1; minus strand). Cytogenetic location: 15q21.1.
Variant type: single nucleotide variant.
Coding change: c.6839A>G on transcript NM_000138.5 (MANE Select); coding-DNA position 6839, A replaced by G.
Protein change: p.Tyr2280Cys; replaces tyrosine 2280 with cysteine.
Molecular consequence: missense variant.
Genome position (GRCh38, 1-based): chr15:48,430,703, T>C on the plus strand (A>G on the coding strand, the complement: FBN1 is on the minus strand). VCF-style: chr15-48430703-T-C. GRCh37 (hg19) VCF-style: chr15-48722900-T-C.
Other names: p.Tyr2280Cys; c.6839A>G, p.Tyr2280Cys (NM_001406716.1); short protein forms Y2280C.
Identifiers: ClinVar variation 2930174 (VCV002930174.5), dbSNP rs2505419887, ClinGen allele CA392332127.